The following is an entry in ClinVar:

NM_003002.4(SDHD):c.18G>T (p.Arg6Ser)

Genes: SDHD (succinate dehydrogenase complex subunit D; plus strand), LOC126861339 (BRD4-independent group 4 enhancer GRCh37_chr11:111957035-111958234; plus strand). Cytogenetic location: 11q23.1.
Variant type: single nucleotide variant.
Coding change: c.18G>T on transcript NM_003002.4 (MANE Select); coding-DNA position 18, G replaced by T.
Protein change: p.Arg6Ser; replaces arginine 6 with serine.
Molecular consequence: missense variant. On other transcripts: non-coding transcript variant (1).
Genome position (GRCh38, 1-based): chr11:112,086,925, G>T. VCF-style: chr11-112086925-G-T. GRCh37 (hg19) VCF-style: chr11-111957649-G-T.
Other names: c.18G>T, p.Arg6Ser (NM_001276503.2, NM_001276504.2, NM_001276506.2); c.18G>T (NM_003002.2); short protein forms R6S.
Identifiers: ClinVar variation 581402 (VCV000581402.8), dbSNP rs200895313, ClinGen allele CA382616664.
Genomic context (GRCh38, chr11:112,086,925, plus strand): 5'-GTGGTTCCGGGTTGGTGGATGACCTTGAGCCCTCAGGAACGAGATGGCGGTTCTCTGGAG[G>T]CTGAGTGCCGTTTGCGGTGCCCTAGGAGGCCGAGGTGAGGGGTCTTCCCACCCTGAGGTG-3'
Protein context (NP_002993.1, residues 1-16): MAVLW[Arg6Ser]LSAVCGALGG

ClinVar aggregate classification (germline): Uncertain significance. Review status: criteria provided, multiple submitters, no conflicts (2 of 4 stars). 3 submissions from 3 submitters: Uncertain significance (3). Last evaluated 2025-05-15.

Conditions:
Carney-Stratakis syndrome. Also called: PARAGANGLIOMA AND GASTROINTESTINAL STROMAL TUMOR. Identifiers: Orphanet 97286, MedGen C1847319, MONDO:0011740, OMIM 606864.
Paragangliomas with sensorineural hearing loss. Identifiers: MedGen C1868633.
Cowden syndrome 3 (CWS3). Identifiers: Orphanet 201, MedGen CN166604, MONDO:0014045.
Pheochromocytoma. Also called: MAX-Related Hereditary Paraganglioma-Pheochromocytoma Syndrome. Identifiers: Orphanet 29072, MedGen C0031511, MONDO:0008233, OMIM 171300, HP:0002666.
Hereditary cancer-predisposing syndrome. Also called: Neoplastic Syndromes, Hereditary; Hereditary Cancer Syndrome; Tumor predisposition; Hereditary neoplastic syndrome. Identifiers: Orphanet 140162, MedGen C0027672, MeSH D009386, MONDO:0015356.
Hereditary pheochromocytoma and paraganglioma. Also called: Hereditary Paraganglioma-Pheochromocytoma Syndromes; Hereditary paragangliomas and pheochromocytomas; Hereditary pheochromocytoma-paraganglioma. Identifiers: Orphanet 29072, MedGen C4274332, MONDO:0017366.

Submissions (3):

Labcorp Genetics (formerly Invitae), Labcorp
Classification: Uncertain significance for Carney-Stratakis syndrome; Paragangliomas with sensorineural hearing loss; Pheochromocytoma; Cowden syndrome 3. Last evaluated: 2025-05-15. Review status: criteria provided, single submitter. Criteria: Invitae Variant Classification Sherloc (09022015). Collection method: clinical testing. Allele origin: germline.
Comment: This sequence change replaces arginine, which is basic and polar, with serine, which is neutral and polar, at codon 6 of the SDHD protein (p.Arg6Ser). This variant is not present in population databases (gnomAD no frequency). This variant has not been reported in the literature in individuals affected with SDHD-related conditions. ClinVar contains an entry for this variant (Variation ID: 581402). Invitae Evidence Modeling of protein sequence and biophysical properties (such as structural, functional, and spatial information, amino acid conservation, physicochemical variation, residue mobility, and thermodynamic stability) indicates that this missense variant is expected to disrupt SDHD protein function with a positive predictive value of 95%. In summary, the available evidence is currently insufficient to determine the role of this variant in disease. Therefore, it has been classified as a Variant of Uncertain Significance.

Ambry Genetics
Classification: Uncertain significance for Hereditary cancer-predisposing syndrome. Last evaluated: 2024-05-24. Review status: criteria provided, single submitter. Criteria: Ambry Variant Classification Scheme 2023. Collection method: clinical testing. Allele origin: germline.
Comment: The p.R6S variant (also known as c.18G>T), located in coding exon 1 of the SDHD gene, results from a G to T substitution at nucleotide position 18. The arginine at codon 6 is replaced by serine, an amino acid with dissimilar properties. This amino acid position is highly conserved in available vertebrate species. In addition, this alteration is predicted to be deleterious by in silico analysis. Based on the available evidence, the clinical significance of this variant remains unclear.

All of Us Research Program, National Institutes of Health
Classification: Uncertain significance for Hereditary pheochromocytoma and paraganglioma. Last evaluated: 2023-12-01. Review status: criteria provided, single submitter. Criteria: ACMG Guidelines, 2015. Collection method: clinical testing. Allele origin: germline. Inheritance: Autosomal dominant inheritance. Observed: 1 variant allele, 1 heterozygote.
Comment: This missense variant replaces arginine with serine at codon 6 of the SDHD protein. Computational prediction is inconclusive regarding the impact of this variant on protein structure and function (internally defined REVEL score threshold 0.5 < inconclusive < 0.7, PMID: 27666373). To our knowledge, functional studies have not been reported for this variant. This variant has not been reported in individuals affected with hereditary cancer in the literature. This variant has not been identified in the general population by the Genome Aggregation Database (gnomAD). The available evidence is insufficient to determine the role of this variant in disease conclusively. Therefore, this variant is classified as a Variant of Uncertain Significance.

This study involves interpretation of variants in research participants for the purpose of population health screening. Participant phenotype was not available at the time of variant classification. Additional details can be found in publication PMID: 35346344, PMCID: PMC8962531